The following is an entry in ClinVar:

ClinVar aggregate classification (germline): Uncertain significance. Review status: criteria provided, multiple submitters, no conflicts (2 of 4 stars). 3 submissions from 3 submitters: Uncertain significance (3). Last evaluated 2025-10-14.

Conditions:
Epidermolysis bullosa simplex with nail dystrophy (EBS5D). Identifiers: MedGen C4225309, MONDO:0014661, OMIM 616487.
Epidermolysis bullosa simplex 5B, with muscular dystrophy (EBS5B). Also called: EPIDERMOLYSIS BULLOSA SIMPLEX AND LIMB-GIRDLE MUSCULAR DYSTROPHY; Epidermolysis bullosa simplex with muscular dystrophy. Identifiers: Orphanet 257, MedGen C2931072, MONDO:0009181, OMIM 226670.
Epidermolysis bullosa simplex, Ogna type (EBS5A). Also called: Pidermolysis bullosa simplex 5A, Ogna type; EPIDERMOLYSIS BULLOSA SIMPLEX 5A, OGNA TYPE. Identifiers: Orphanet 79401, MedGen C0432317, MONDO:0007555, OMIM 131950.
Autosomal recessive limb-girdle muscular dystrophy type 2Q (LGMDR17). Also called: MUSCULAR DYSTROPHY, LIMB-GIRDLE, AUTOSOMAL RECESSIVE 17. Identifiers: Orphanet 254361, MedGen C3150989, MONDO:0013390, OMIM 613723.
Epidermolysis bullosa simplex 5C, with pyloric atresia (EBS5C). Also called: PLEC-Related Epidermolysis Bullosa with Pyloric Atresia; Epidermolysis bullosa simplex with pyloric atresia; PLEC1-Related Epidermolysis Bullosa with Pyloric Atresia. Identifiers: Orphanet 158684, MedGen C2677349, MONDO:0012807, OMIM 612138.
Inborn genetic diseases. Identifiers: MedGen C0950123, MeSH D030342.

Allele frequency attached by ClinVar (database versions not stated): TOPMed 0.00002; gnomAD exomes 0.00004; gnomAD 0.00006.
gnomAD v4.1: 69 of 1,598,354 alleles (0.0043%); highest among the groups gnomAD compares: Admixed American, 0.03%; no homozygotes.

Submissions (3):

Labcorp Genetics (formerly Invitae), Labcorp
Classification: Uncertain significance for Autosomal recessive limb-girdle muscular dystrophy type 2Q; Epidermolysis bullosa simplex, Ogna type; Epidermolysis bullosa simplex with nail dystrophy; Epidermolysis bullosa simplex 5C, with pyloric atresia; Epidermolysis bullosa simplex 5B, with muscular dystrophy. Last evaluated: 2025-10-14. Review status: criteria provided, single submitter. Criteria: Invitae Variant Classification Sherloc (09022015). Collection method: clinical testing. Allele origin: germline.
Comment: This sequence change replaces arginine, which is basic and polar, with histidine, which is basic and polar, at codon 1926 of the PLEC protein (p.Arg1926His). This variant is present in population databases (rs200751865, gnomAD 0.04%). This variant has not been reported in the literature in individuals affected with PLEC-related conditions. ClinVar contains an entry for this variant (Variation ID: 538942). Experimental studies and prediction algorithms are not available or were not evaluated, and the functional significance of this variant is currently unknown. In summary, the available evidence is currently insufficient to determine the role of this variant in disease. Therefore, it has been classified as a Variant of Uncertain Significance.

Ambry Genetics
Classification: Uncertain significance for Inborn genetic diseases. Last evaluated: 2023-12-08. Review status: criteria provided, single submitter. Criteria: Ambry Variant Classification Scheme 2023. Collection method: clinical testing. Allele origin: germline.

Revvity Omics, Revvity
Classification: Uncertain significance. Last evaluated: 2021-06-18. Review status: criteria provided, single submitter. Criteria: ACMG Guidelines, 2015. Collection method: clinical testing. Allele origin: germline.

NM_201384.3(PLEC):c.5696G>A (p.Arg1899His)

Gene: PLEC (plectin; minus strand). Cytogenetic location: 8q24.3.
Variant type: single nucleotide variant.
Coding change: c.5696G>A on transcript NM_201384.3 (MANE Select); coding-DNA position 5696, G replaced by A.
Protein change: p.Arg1899His; replaces arginine 1899 with histidine.
Molecular consequence: missense variant.
Genome position (GRCh38, 1-based): chr8:143,924,233, C>T on the plus strand (G>A on the coding strand, the complement: PLEC is on the minus strand). VCF-style: chr8-143924233-C-T. GRCh37 (hg19) VCF-style: chr8-144998401-C-T.
Other names: c.5777G>A, p.Arg1926His (NM_000445.5); c.5654G>A, p.Arg1885His (NM_201378.4); c.5630G>A, p.Arg1877His (NM_201379.3); c.6107G>A, p.Arg2036His (NM_201380.4); c.5600G>A, p.Arg1867His (NM_201381.3); c.5696G>A, p.Arg1899His (NM_201382.4); c.5708G>A, p.Arg1903His (NM_201383.3); c.5777G>A (NM_000445.3); short protein forms R1877H, R1903H, R1867H, R1926H, R1885H, R2036H, R1899H.
Identifiers: ClinVar variation 538942 (VCV000538942.12), dbSNP rs200751865, ClinGen allele CA4926269.